The following is an entry in ClinVar:

NM_002010.3(FGF9):c.566C>G (p.Pro189Arg)

Gene: FGF9 (fibroblast growth factor 9; plus strand). Cytogenetic location: 13q12.11.
Variant type: single nucleotide variant.
Coding change: c.566C>G on transcript NM_002010.3 (MANE Select); coding-DNA position 566, C replaced by G.
Protein change: p.Pro189Arg; replaces proline 189 with arginine.
Molecular consequence: missense variant.
Genome position (GRCh38, 1-based): chr13:21,701,374, C>G. VCF-style: chr13-21701374-C-G. GRCh37 (hg19) VCF-style: chr13-22275513-C-G.
Other names: short protein forms P189R.
Identifiers: ClinVar variation 1678668 (VCV001678668.2), dbSNP rs2138150227, ClinGen allele CA387674986.

ClinVar aggregate classification (germline): Pathogenic (1 of 4 stars; one submission).

Submission:

GeneDx
Classification: Pathogenic. Last evaluated: 2022-01-05. Review status: criteria provided, single submitter. Criteria: GeneDx Variant Classification Process June 2021. Collection method: clinical testing. Allele origin: germline. Affected: yes.
Comment: Published functional studies suggest a damaging effect: P198R disrupts FGF9 homodimerization (Thuresson et al., 2021); Not observed at significant frequency in large population cohorts (gnomAD); In silico analysis supports that this missense variant has a deleterious effect on protein structure/function; This variant is associated with the following publications: (PMID: 33174625, 27535533)